The following is an entry in ClinVar:

NM_000540.3(RYR1):c.11420G>A (p.Gly3807Asp)

Gene: RYR1 (ryanodine receptor 1; plus strand). Cytogenetic location: 19q13.2.
Variant type: single nucleotide variant.
Coding change: c.11420G>A on transcript NM_000540.3 (MANE Select); coding-DNA position 11420, G replaced by A.
Protein change: p.Gly3807Asp; replaces glycine 3807 with aspartic acid.
Molecular consequence: missense variant.
Genome position (GRCh38, 1-based): chr19:38,535,201, G>A. VCF-style: chr19-38535201-G-A. GRCh37 (hg19) VCF-style: chr19-39025841-G-A.
Other names: c.11405G>A, p.Gly3802Asp (NM_001042723.2); short protein forms G3802D, G3807D.
Identifiers: ClinVar variation 1720977 (VCV001720977.5), dbSNP rs2514530493, ClinGen allele CA405655379.

ClinVar aggregate classification (germline): Uncertain significance (1 of 4 stars; one submission).

Conditions:
RYR1-related disorder. Also called: RYR1-related condition; RYR1-related disorders. Identifiers: MedGen CN239331.

Submission:

Labcorp Genetics (formerly Invitae), Labcorp
Classification: Uncertain significance for RYR1-related disorder. Last evaluated: 2022-10-12. Review status: criteria provided, single submitter. Criteria: Invitae Variant Classification Sherloc (09022015). Collection method: clinical testing. Allele origin: germline.
Comment: This sequence change replaces glycine, which is neutral and non-polar, with aspartic acid, which is acidic and polar, at codon 3807 of the RYR1 protein (p.Gly3807Asp). In summary, the available evidence is currently insufficient to determine the role of this variant in disease. Therefore, it has been classified as a Variant of Uncertain Significance. Advanced modeling of protein sequence and biophysical properties (such as structural, functional, and spatial information, amino acid conservation, physicochemical variation, residue mobility, and thermodynamic stability) performed at Invitae indicates that this missense variant is expected to disrupt RYR1 protein function. This variant has not been reported in the literature in individuals affected with RYR1-related conditions. This variant is not present in population databases (gnomAD no frequency).